The following is an entry in ClinVar:

NM_000257.4(MYH7):c.3446G>C (p.Arg1149Pro)

Gene: MYH7 (myosin heavy chain 7; minus strand). Cytogenetic location: 14q11.2.
Variant type: single nucleotide variant.
Coding change: c.3446G>C on transcript NM_000257.4 (MANE Select); coding-DNA position 3446, G replaced by C.
Protein change: p.Arg1149Pro; replaces arginine 1149 with proline.
Molecular consequence: missense variant.
Genome position (GRCh38, 1-based): chr14:23,420,125, C>G on the plus strand (G>C on the coding strand, the complement: MYH7 is on the minus strand). VCF-style: chr14-23420125-C-G. GRCh37 (hg19) VCF-style: chr14-23889334-C-G.
Other names: c.3446G>C (LRG_384t1); short protein forms R1149P.
Identifiers: ClinVar variation 519168 (VCV000519168.11), dbSNP rs768978215, ClinGen allele CA389043860.
Genomic context (GRCh38, chr14:23,420,125, plus strand): 5'-GCCTCGCGCTTCTTGTTCATCTCGATCTGCACGGACGTGGCCCCGCCGGCCTCTTCCAGC[C>G]GCTCGCTGATCTCCTCCAGCTCCCGAGACAGGTCTGAGCGCAGCTTCTCCACCTTAGCCC-3'
Protein context (NP_000248.2, residues 1139-1159): LSRELEEISE[Arg1149Pro]LEEAGGATSV

ClinVar aggregate classification (germline): Uncertain significance. Review status: criteria provided, multiple submitters, no conflicts (2 of 4 stars). 3 submissions from 3 submitters: Uncertain significance (3). Last evaluated 2024-10-16.

Conditions:
Cardiovascular phenotype. Identifiers: MedGen CN230736.
Cardiomyopathy (CMYO). Also called: Cardiomyopathies. Identifiers: Orphanet 167848, MedGen C0878544, MONDO:0004994, HP:0001638. Inheritance: Various modes of inheritance.
Hypertrophic cardiomyopathy. Also called: HYPERTROPHIC MYOCARDIOPATHY. Identifiers: Orphanet 217569, MedGen C0007194, MeSH D002312, MONDO:0005045, HP:0001639.

Submissions (3):

Ambry Genetics
Classification: Uncertain significance for Cardiovascular phenotype. Last evaluated: 2024-10-16. Review status: criteria provided, single submitter. Criteria: Ambry Variant Classification Scheme 2023. Collection method: clinical testing. Allele origin: germline.
Comment: The p.R1149P variant (also known as c.3446G>C), located in coding exon 25 of the MYH7 gene, results from a G to C substitution at nucleotide position 3446. The arginine at codon 1149 is replaced by proline, an amino acid with dissimilar properties. This amino acid position is highly conserved in available vertebrate species. In addition, this alteration is predicted to be deleterious by in silico analysis. Since supporting evidence is limited at this time, the clinical significance of this alteration remains unclear.

Labcorp Genetics (formerly Invitae), Labcorp
Classification: Uncertain significance for Hypertrophic cardiomyopathy. Last evaluated: 2023-12-12. Review status: criteria provided, single submitter. Criteria: Invitae Variant Classification Sherloc (09022015). Collection method: clinical testing. Allele origin: germline.
Comment: This sequence change replaces arginine, which is basic and polar, with proline, which is neutral and non-polar, at codon 1149 of the MYH7 protein (p.Arg1149Pro). This variant is not present in population databases (gnomAD no frequency). This variant has not been reported in the literature in individuals affected with MYH7-related conditions. ClinVar contains an entry for this variant (Variation ID: 519168). Advanced modeling of protein sequence and biophysical properties (such as structural, functional, and spatial information, amino acid conservation, physicochemical variation, residue mobility, and thermodynamic stability) performed at Invitae indicates that this missense variant is expected to disrupt MYH7 protein function with a positive predictive value of 95%. In summary, the available evidence is currently insufficient to determine the role of this variant in disease. Therefore, it has been classified as a Variant of Uncertain Significance.

All of Us Research Program, National Institutes of Health
Classification: Uncertain significance for Cardiomyopathy. Last evaluated: 2023-03-09. Review status: criteria provided, single submitter. Criteria: ACMG Guidelines, 2015. Collection method: clinical testing. Allele origin: germline. Inheritance: Autosomal dominant inheritance. Observed: 1 variant allele, 1 heterozygote.
Comment: This missense variant replaces arginine with proline at codon 1149 of the MYH7 protein. Computational prediction suggests that this variant may have deleterious impact on protein structure and function (internally defined REVEL score threshold >= 0.7, PMID: 27666373). To our knowledge, functional studies have not been reported for this variant. This variant has not been reported in individuals affected with MYH7-related disorders in the literature. This variant has not been identified in the general population by the Genome Aggregation Database (gnomAD). The available evidence is insufficient to determine the role of this variant in disease conclusively. Therefore, this variant is classified as a Variant of Uncertain Significance.

This study involves interpretation of variants in research participants for the purpose of population health screening. Participant phenotype was not available at the time of variant classification. Additional details can be found in publication PMID: 35346344, PMCID: PMC8962531